The following is an entry in ClinVar:

NM_001040142.2(SCN2A):c.5419C>T (p.Pro1807Ser)

Gene: SCN2A (sodium voltage-gated channel alpha subunit 2; plus strand). Cytogenetic location: 2q24.3.
Variant type: single nucleotide variant.
Coding change: c.5419C>T on transcript NM_001040142.2 (MANE Select); coding-DNA position 5419, C replaced by T.
Protein change: p.Pro1807Ser; replaces proline 1807 with serine.
Molecular consequence: missense variant.
Genome position (GRCh38, 1-based): chr2:165,389,225, C>T. VCF-style: chr2-165389225-C-T. GRCh37 (hg19) VCF-style: chr2-166245735-C-T.
Other names: c.5419C>T, p.Pro1807Ser (NM_001040143.2, NM_001371246.1, NM_001371247.1 and 1 more transcripts); short protein forms P1807S.
Identifiers: ClinVar variation 933508 (VCV000933508.10), dbSNP rs1702027530, ClinGen allele CA349038945.

ClinVar aggregate classification (germline): Uncertain significance (1 of 4 stars; one submission).

Conditions:
Developmental and epileptic encephalopathy, 11 (DEE11). Also called: Early infantile epileptic encephalopathy 11. Identifiers: Orphanet 1934, MedGen C3150987, MONDO:0013388, OMIM 613721.
Seizures, benign familial infantile, 3 (BFIS3). Also called: Familial neonatal seizures; CONVULSIONS, BENIGN FAMILIAL INFANTILE, 3. Identifiers: Orphanet 140927, Orphanet 306, MedGen C1843140, MONDO:0011904, OMIM 607745.

gnomAD v4.1: 5 of 1,613,988 alleles (0.00031%); highest among the groups gnomAD compares: Non-Finnish European, 0.00034%; no homozygotes.

Submission:

Labcorp Genetics (formerly Invitae), Labcorp
Classification: Uncertain significance for Seizures, benign familial infantile, 3; Developmental and epileptic encephalopathy, 11. Last evaluated: 2019-10-16. Review status: criteria provided, single submitter. Criteria: Invitae Variant Classification Sherloc (09022015). Collection method: clinical testing. Allele origin: germline.
Comment: In summary, the available evidence is currently insufficient to determine the role of this variant in disease. Therefore, it has been classified as a Variant of Uncertain Significance. Algorithms developed to predict the effect of missense changes on protein structure and function are either unavailable or do not agree on the potential impact of this missense change (SIFT: "Deleterious"; PolyPhen-2: "Benign"; Align-GVGD: "Class C65"). This variant has not been reported in the literature in individuals with SCN2A-related conditions. This variant is not present in population databases (ExAC no frequency). This sequence change replaces proline with serine at codon 1807 of the SCN2A protein (p.Pro1807Ser). The proline residue is highly conserved and there is a moderate physicochemical difference between proline and serine.